The following is an entry in ClinVar:

ClinVar aggregate classification (germline): Conflicting classifications of pathogenicity. Review status: criteria provided, conflicting classifications (1 of 4 stars). 5 submissions from 5 submitters: Uncertain significance (4); Likely benign (1). Last evaluated 2026-06-29.

Conditions:
Cardiomyopathy (CMYO). Also called: Cardiomyopathies. Identifiers: Orphanet 167848, MedGen C0878544, MONDO:0004994, HP:0001638. Inheritance: Various modes of inheritance.
Cardiovascular phenotype. Identifiers: MedGen CN230736.
Arrhythmogenic right ventricular dysplasia 10. Also called: Arrhythmogenic Right Ventricular Dysplasia/Cardiomyopathy10; ARRHYTHMOGENIC RIGHT VENTRICULAR DYSPLASIA, FAMILIAL, 10; Arrhythmogenic right ventricular dysplasia/cardiomyopathy, type 10. Identifiers: MedGen C1857777, MONDO:0012434, OMIM 610193.
Arrhythmogenic right ventricular cardiomyopathy (ARVD). Also called: Cardiomyopathy, ARVC; Arrhythmogenic right ventricular dysplasia; Arrhythmogenic cardiomyopathy; Arrhythmogenic Right Ventricular Cardiomyopathy (ARVC). Identifiers: Orphanet 247, MedGen C0349788, MeSH D019571, MONDO:0016587. Disease mechanism: loss of function. Inheritance: Various modes of inheritance.

Allele frequency attached by ClinVar (database versions not stated): gnomAD exomes below 0.00001 and 0.00002; ExAC 0.00002; gnomAD 0.00001; TOPMed 0.00003.
gnomAD v4.1: 8 of 1,614,012 alleles (0.0005%); highest among the groups gnomAD compares: East Asian, 0.016%; no homozygotes.

Submissions (5):

Ambry Genetics
Classification: Likely benign for Cardiovascular phenotype. Last evaluated: 2026-06-29. Review status: criteria provided, single submitter. Criteria: Ambry Variant Classification Scheme 2023. Collection method: clinical testing. Allele origin: germline.

Color Diagnostics, LLC DBA Color Health
Classification: Uncertain significance for Cardiomyopathy. Last evaluated: 2025-10-28. Review status: criteria provided, single submitter. Criteria: ACMG Guidelines, 2015. Collection method: clinical testing. Allele origin: germline.
Comment: This missense variant replaces leucine with proline at codon 610 of the DSG2 protein. Computational prediction is inconclusive regarding the impact of this variant on protein structure and function. To our knowledge, functional studies have not been reported for this variant. This variant has been reported in an individual affected with dilated cardiomyopathy (PMID: 30165862). This variant has been identified in 6/280442 chromosomes in the general population by the Genome Aggregation Database (gnomAD). The available evidence is insufficient to determine the role of this variant in disease conclusively. Therefore, this variant is classified as a Variant of Uncertain Significance.

All of Us Research Program, National Institutes of Health
Classification: Uncertain significance for Arrhythmogenic right ventricular cardiomyopathy. Last evaluated: 2024-05-09. Review status: criteria provided, single submitter. Criteria: ACMG Guidelines, 2015. Collection method: clinical testing. Allele origin: germline. Inheritance: Autosomal dominant inheritance. Observed: 5 variant alleles, 5 heterozygotes.
Comment: This missense variant replaces leucine with proline at codon 610 of the DSG2 protein. Computational prediction is inconclusive regarding the impact of this variant on protein structure and function (internally defined REVEL score threshold 0.5 < inconclusive < 0.7, PMID: 27666373). Splice site prediction tools suggest that this variant may not impact RNA splicing. To our knowledge, functional studies have not been performed for this variant. This variant has not been reported in individuals affected with cardiovascular disorders in the literature. This variant has been identified in 6/280442 chromosomes in the general population by the Genome Aggregation Database (gnomAD). The available evidence is insufficient to determine the role of this variant in disease conclusively. Therefore, this variant is classified as a Variant of Uncertain Significance.

This study involves interpretation of variants in research participants for the purpose of population health screening. Participant phenotype was not available at the time of variant classification. Additional details can be found in publication PMID: 35346344, PMCID: PMC8962531

Labcorp Genetics (formerly Invitae), Labcorp
Classification: Uncertain significance for Arrhythmogenic right ventricular dysplasia 10. Last evaluated: 2023-01-14. Review status: criteria provided, single submitter. Criteria: Invitae Variant Classification Sherloc (09022015). Collection method: clinical testing. Allele origin: germline.
Comment: In summary, the available evidence is currently insufficient to determine the role of this variant in disease. Therefore, it has been classified as a Variant of Uncertain Significance. Algorithms developed to predict the effect of missense changes on protein structure and function (SIFT, PolyPhen-2, Align-GVGD) all suggest that this variant is likely to be disruptive. ClinVar contains an entry for this variant (Variation ID: 918632). This missense change has been observed in individual(s) with clinical features of DSG2-related conditions (PMID: 30165862). This variant is present in population databases (rs755196345, gnomAD 0.03%). This sequence change replaces leucine, which is neutral and non-polar, with proline, which is neutral and non-polar, at codon 610 of the DSG2 protein (p.Leu610Pro).

GeneDx
Classification: Uncertain significance. Last evaluated: 2019-04-30. Review status: criteria provided, single submitter. Criteria: GeneDx Variant Classification Process June 2021. Collection method: clinical testing. Allele origin: germline. Affected: yes.
Comment: In silico analysis, which includes protein predictors and evolutionary conservation, supports a deleterious effect; This variant is associated with the following publications: (PMID: 30165862)

Literature cited by the submitters: PubMed 30165862 (cited by 3 submitters).

NM_001943.5(DSG2):c.1829T>C (p.Leu610Pro)

Gene: DSG2 (desmoglein 2; plus strand). Cytogenetic location: 18q12.1.
Variant type: single nucleotide variant.
Coding change: c.1829T>C on transcript NM_001943.5 (MANE Select); coding-DNA position 1829, T replaced by C.
Protein change: p.Leu610Pro; replaces leucine 610 with proline.
Molecular consequence: missense variant.
Genome position (GRCh38, 1-based): chr18:31,538,928, T>C. VCF-style: chr18-31538928-T-C. GRCh37 (hg19) VCF-style: chr18-29118891-T-C.
Other names: short protein forms L610P.
Identifiers: ClinVar variation 918632 (VCV000918632.11), dbSNP rs755196345, ClinGen allele CA043808.
Genomic context (GRCh38, chr18:31,538,928, plus strand): 5'-TTTGTGAGTGTCTGCATGGCAGCGGCTGCAGGGAAGCACAGCATGACTCCTATGTGGGCC[T>C]GGGACCCGCAGCAATTGCGCTCATGATTTTGGCCTTTCTGCTCCTGCTATGTAAGTCTTT-3'
Protein context (NP_001934.2, residues 600-620): REAQHDSYVG[Leu610Pro]GPAAIALMIL